The following is an entry in ClinVar:

NM_000092.5(COL4A4):c.3037C>T (p.His1013Tyr)

Gene: COL4A4 (collagen type IV alpha 4 chain; minus strand). Cytogenetic location: 2q36.3.
Variant type: single nucleotide variant.
Coding change: c.3037C>T on transcript NM_000092.5 (MANE Select); coding-DNA position 3037, C replaced by T.
Protein change: p.His1013Tyr; replaces histidine 1013 with tyrosine.
Molecular consequence: missense variant.
Genome position (GRCh38, 1-based): chr2:227,051,090, G>A on the plus strand (C>T on the coding strand, the complement: COL4A4 is on the minus strand). VCF-style: chr2-227051090-G-A. GRCh37 (hg19) VCF-style: chr2-227915806-G-A.
Other names: short protein forms H1013Y.
Identifiers: ClinVar variation 1193399 (VCV001193399.8), dbSNP rs751663801, ClinGen allele CA2144643.
Genomic context (GRCh38, chr2:227,051,090, plus strand): 5'-CTGGAGGGCCTGGGGGTCCAGGAGGCCCTGGCTGACCTTTCTCACCAGGTTCCCCTCTGT[G>A]AAATCCAGGTGGTCCGTATCTTCCCGGCTCTCCTCTTCTCCCTTGCATCCCGGGAGTTCC-3'
Protein context (NP_000083.3, residues 1003-1023): EPGRYGPPGF[His1013Tyr]RGEPGEKGQP

ClinVar aggregate classification (germline): Uncertain significance. Review status: criteria provided, multiple submitters, no conflicts (2 of 4 stars). 5 submissions from 5 submitters: Uncertain significance (4). 1 of the submissions does not count toward it. Last evaluated 2025-10-24.

Conditions:
Alport syndrome. Also called: Hemorrhagic familial nephritis; Hemorrhagic hereditary nephritis; Congenital hereditary hematuria. Identifiers: Orphanet 63, MedGen C1567741, MONDO:0018965.
Autosomal recessive Alport syndrome (ATS2). Also called: COL4A4 Alport Syndrome and Thin Basement Membrane Nephropathy; ALPORT SYNDROME 2, AUTOSOMAL RECESSIVE; Alport syndrome type 2; COL4A3-Related Nephropathy. Identifiers: Orphanet 63, Orphanet 88919, MedGen C4746745, MONDO:0008762, OMIM 203780.
Benign familial hematuria. Also called: thin basement membrane disease. Identifiers: MedGen C0241908, MONDO:0957317.
Inborn genetic diseases. Identifiers: MedGen C0950123, MeSH D030342.

Allele frequency attached by ClinVar (database versions not stated): ExAC 0.00002; gnomAD exomes 0.00004; TOPMed 0.00005; gnomAD 0.00007 and 0.00008.
gnomAD v4.1: 107 of 1,614,026 alleles (0.0066%); highest among the groups gnomAD compares: Non-Finnish European, 0.0085%; no homozygotes.

Submissions (5):

Ambry Genetics
Classification: Uncertain significance for Inborn genetic diseases. Last evaluated: 2025-10-24. Review status: criteria provided, single submitter. Criteria: Ambry Variant Classification Scheme 2023. Collection method: clinical testing. Allele origin: germline.

Labcorp Genetics (formerly Invitae), Labcorp
Classification: Uncertain significance. Last evaluated: 2025-08-03. Review status: criteria provided, single submitter. Criteria: Invitae Variant Classification Sherloc (09022015). Collection method: clinical testing. Allele origin: germline.
Comment: This sequence change replaces histidine, which is basic and polar, with tyrosine, which is neutral and polar, at codon 1013 of the COL4A4 protein (p.His1013Tyr). The frequency data for this variant in the population databases is considered unreliable, as metrics indicate poor data quality at this position in the gnomAD database. This variant has not been reported in the literature in individuals affected with COL4A4-related conditions. ClinVar contains an entry for this variant (Variation ID: 1193399). Invitae Evidence Modeling of protein sequence and biophysical properties (such as structural, functional, and spatial information, amino acid conservation, physicochemical variation, residue mobility, and thermodynamic stability) indicates that this missense variant is not expected to disrupt COL4A4 protein function with a negative predictive value of 95%. In summary, the available evidence is currently insufficient to determine the role of this variant in disease. Therefore, it has been classified as a Variant of Uncertain Significance.

Fulgent Genetics
Classification: Uncertain significance for Hematuria, benign familial, 1; Autosomal recessive Alport syndrome. Last evaluated: 2021-11-04. Review status: criteria provided, single submitter. Criteria: ACMG Guidelines, 2015. Collection method: clinical testing. Allele origin: unknown.

GeneDx
Classification: Uncertain significance. Last evaluated: 2020-03-31. Review status: criteria provided, single submitter. Criteria: GeneDx Variant Classification Process June 2021. Collection method: clinical testing. Allele origin: germline. Affected: yes.
Comment: In silico analysis, which includes protein predictors and evolutionary conservation, supports that this variant does not alter protein structure/function; Occurs in the triple helical domain at the Y position in the canonical Gly-X-Y repeat; although this variant may have an effect on normal protein folding and function, missense substitution at the Y position is not a common mechanism of disease; Has not been previously published as pathogenic or benign to our knowledge

Natera, Inc.
Classification: Uncertain significance for Alport syndrome. Last evaluated: 2020-02-26. Review status: no assertion criteria provided. Collection method: clinical testing. Allele origin: germline. Not counted in ClinVar's aggregate classification.